The following is an entry in ClinVar:

NM_003000.3(SDHB):c.155C>T (p.Ala52Val)

Gene: SDHB (succinate dehydrogenase complex iron sulfur subunit B; minus strand). Cytogenetic location: 1p36.13.
Variant type: single nucleotide variant.
Coding change: c.155C>T on transcript NM_003000.3 (MANE Select); coding-DNA position 155, C replaced by T.
Protein change: p.Ala52Val; replaces alanine 52 with valine.
Molecular consequence: missense variant.
Genome position (GRCh38, 1-based): chr1:17,044,806, G>A on the plus strand (C>T on the coding strand, the complement: SDHB is on the minus strand). VCF-style: chr1-17044806-G-A. GRCh37 (hg19) VCF-style: chr1-17371301-G-A.
Other names: c.155C>T, p.Ala52Val (NM_001407361.1); short protein forms A52V.
Identifiers: ClinVar variation 1775223 (VCV001775223.3), dbSNP rs878854573, ClinGen allele CA338227952.

ClinVar aggregate classification (germline): Uncertain significance (1 of 4 stars; one submission).

Conditions:
Hereditary cancer-predisposing syndrome. Also called: Hereditary Cancer Syndrome; Hereditary neoplastic syndrome; Neoplastic Syndromes, Hereditary; Tumor predisposition. Identifiers: Orphanet 140162, MedGen C0027672, MeSH D009386, MONDO:0015356.

Allele frequency attached by ClinVar (database versions not stated): gnomAD exomes below 0.00001.
gnomAD v4.1: 1 of 1,614,080 alleles (0.000062%); highest among the groups gnomAD compares: Non-Finnish European, 0.000085%; no homozygotes.

Submission:

Ambry Genetics
Classification: Uncertain significance for Hereditary cancer-predisposing syndrome. Last evaluated: 2025-01-02. Review status: criteria provided, single submitter. Criteria: Ambry Variant Classification Scheme 2023. Collection method: clinical testing. Allele origin: germline.
Comment: The p.A52V variant (also known as c.155C>T), located in coding exon 2 of the SDHB gene, results from a C to T substitution at nucleotide position 155. The alanine at codon 52 is replaced by valine, an amino acid with similar properties. This amino acid position is not well conserved in available vertebrate species. In addition, this alteration is predicted to be tolerated by in silico analysis. Based on the available evidence, the clinical significance of this variant remains unclear.